The following is an entry in ClinVar:

NM_000263.4(NAGLU):c.1643C>T (p.Pro548Leu)

Gene: NAGLU (N-acetyl-alpha-glucosaminidase; plus strand). Cytogenetic location: 17q21.2.
Variant type: single nucleotide variant.
Coding change: c.1643C>T on transcript NM_000263.4 (MANE Select); coding-DNA position 1643, C replaced by T.
Protein change: p.Pro548Leu; replaces proline 548 with leucine.
Molecular consequence: missense variant.
Genome position (GRCh38, 1-based): chr17:42,543,649, C>T. VCF-style: chr17-42543649-C-T. GRCh37 (hg19) VCF-style: chr17-40695667-C-T.
Other names: short protein forms P548L.
Identifiers: ClinVar variation 1366370 (VCV001366370.8), dbSNP rs1362489439, ClinGen allele CA399604348.

ClinVar aggregate classification (germline): Uncertain significance (1 of 4 stars; one submission).

Conditions:
Charcot-Marie-Tooth disease axonal type 2V. Also called: CHARCOT-MARIE-TOOTH NEUROPATHY, TYPE 2V; CHARCOT-MARIE-TOOTH DISEASE, AXONAL, AUTOSOMAL DOMINANT, TYPE 2V. Identifiers: Orphanet 447964, MedGen C5569050, MONDO:0014665, OMIM 616491.
Mucopolysaccharidosis, MPS-III-B (MPS3B). Also called: MPS IIIB (Sanfilippo Syndrome Type B); N-ACETYL-ALPHA-D-GLUCOSAMINIDASE DEFICIENCY; NAGLU DEFICIENCY; MUCOPOLYSACCHARIDOSIS, TYPE IIIB; Mucopolysaccharidosis type IIIB (Sanfilippo B); SANFILIPPO SYNDROME B. Identifiers: Orphanet 79270, MedGen C0086648, MONDO:0009656, OMIM 252920.

Allele frequency attached by ClinVar (database versions not stated): TOPMed below 0.00001; gnomAD 0.00001.
gnomAD v4.1: 1 of 1,612,952 alleles (0.000062%); highest among the groups gnomAD compares: Non-Finnish European, 0.000085%; no homozygotes.

Submission:

Labcorp Genetics (formerly Invitae), Labcorp
Classification: Uncertain significance for Charcot-Marie-Tooth disease axonal type 2V; Mucopolysaccharidosis, MPS-III-B. Last evaluated: 2022-04-29. Review status: criteria provided, single submitter. Criteria: Invitae Variant Classification Sherloc (09022015). Collection method: clinical testing. Allele origin: germline.
Comment: This sequence change replaces proline, which is neutral and non-polar, with leucine, which is neutral and non-polar, at codon 548 of the NAGLU protein (p.Pro548Leu). This variant is not present in population databases (gnomAD no frequency). This variant has not been reported in the literature in individuals affected with NAGLU-related conditions. Algorithms developed to predict the effect of missense changes on protein structure and function are either unavailable or do not agree on the potential impact of this missense change (SIFT: "Deleterious"; PolyPhen-2: "Benign"; Align-GVGD: "Class C0"). In summary, the available evidence is currently insufficient to determine the role of this variant in disease. Therefore, it has been classified as a Variant of Uncertain Significance.